The following is an entry in ClinVar:

NM_020949.3(SLC7A14):c.1439C>T (p.Thr480Ile)

Genes: SLC7A14 (solute carrier family 7 member 14; minus strand), SLC7A14-AS1 (SLC7A14 antisense RNA 1; plus strand). Cytogenetic location: 3q26.2.
Variant type: single nucleotide variant.
Coding change: c.1439C>T on transcript NM_020949.3 (MANE Select); coding-DNA position 1439, C replaced by T.
Protein change: p.Thr480Ile; replaces threonine 480 with isoleucine.
Molecular consequence: missense variant.
Genome position (GRCh38, 1-based): chr3:170,480,843, G>A on the plus strand (C>T on the coding strand, the complement: SLC7A14 is on the minus strand). VCF-style: chr3-170480843-G-A. GRCh37 (hg19) VCF-style: chr3-170198632-G-A.
Other names: short protein forms T480I.
Identifiers: ClinVar variation 1375434 (VCV001375434.9), dbSNP rs764020779, ClinGen allele CA2701628.
Genomic context (GRCh38, chr3:170,480,843, plus strand): 5'-TCTGATTTCCCTATGAGCATCTCATTGTCTCCCAAGGATGGTAAGTTCTTGGCCCCACAT[G>A]TGTTGGTGGCTGGGCCAGAAAACTCATCCCCCTCACTCACAGGAGAACAAGCTTCCTTCT-3'
Protein context (NP_066000.2, residues 470-490): GDEFSGPATN[Thr480Ile]CGAKNLPSLG

ClinVar aggregate classification (germline): Uncertain significance. Review status: criteria provided, multiple submitters, no conflicts (2 of 4 stars). 2 submissions from 2 submitters: Uncertain significance (2). Last evaluated 2025-03-23.

Allele frequency attached by ClinVar (database versions not stated): gnomAD exomes 0.00001 and 0.00004; ExAC 0.00002; gnomAD 0.00003 and 0.00004; TOPMed 0.00004.
gnomAD v4.1: 17 of 1,614,016 alleles (0.0011%); highest among the groups gnomAD compares: Admixed American, 0.018%; no homozygotes.

Submissions (2):

Labcorp Genetics (formerly Invitae), Labcorp
Classification: Uncertain significance. Last evaluated: 2025-03-23. Review status: criteria provided, single submitter. Criteria: Invitae Variant Classification Sherloc (09022015). Collection method: clinical testing. Allele origin: germline.
Comment: This sequence change replaces threonine, which is neutral and polar, with isoleucine, which is neutral and non-polar, at codon 480 of the SLC7A14 protein (p.Thr480Ile). This variant is present in population databases (rs764020779, gnomAD 0.02%). This missense change has been observed in individual(s) with SLC7A14-related conditions (PMID: 32483926). ClinVar contains an entry for this variant (Variation ID: 1375434). An algorithm developed to predict the effect of missense changes on protein structure and function (PolyPhen-2) suggests that this variant is likely to be tolerated. In summary, the available evidence is currently insufficient to determine the role of this variant in disease. Therefore, it has been classified as a Variant of Uncertain Significance.

Blueprint Genetics
Classification: Uncertain significance. Last evaluated: 2022-06-01. Review status: criteria provided, single submitter. Criteria: ACMG Guidelines, 2015. Collection method: clinical testing. Allele origin: germline.

Literature cited by the submitters: PubMed 32483926 (cited by Labcorp Genetics (formerly Invitae), Labcorp).